The following is an entry in ClinVar:

ClinVar aggregate classification (germline): Uncertain significance. Review status: criteria provided, multiple submitters, no conflicts (2 of 4 stars). 2 submissions from 2 submitters: Uncertain significance (2). Last evaluated 2024-10-14.

Conditions:
Congenital generalized lipodystrophy type 4. Also called: BERARDINELLI-SEIP CONGENITAL LIPODYSTROPHY, TYPE 4, WITH MUSCULAR DYSTROPHY. Identifiers: Orphanet 228429, MedGen C2750069, MONDO:0013225, OMIM 613327.

Allele frequency attached by ClinVar (database versions not stated): ExAC 0.00006; TOPMed 0.00007; gnomAD 0.00009; gnomAD exomes 0.00016; ESP Exome Variant Server 0.00023.
gnomAD v4.1: 239 of 1,614,152 alleles (0.015%); highest among the groups gnomAD compares: Non-Finnish European, 0.02%; no homozygotes.

Submissions (2):

Women's Health and Genetics/Laboratory Corporation of America, LabCorp
Classification: Uncertain significance. Last evaluated: 2024-10-14. Review status: criteria provided, single submitter. Criteria: LabCorp Variant Classification Summary - May 2015. Collection method: clinical testing. Allele origin: germline.
Comment: Variant summary: CAVIN1 c.847C>T (p.Pro283Ser) results in a non-conservative amino acid change in the encoded protein sequence. Three of four in-silico tools predict a damaging effect of the variant on protein function. The variant allele was found at a frequency of 3.2e-05 in 251396 control chromosomes. The available data on variant occurrences in the general population are insufficient to allow any conclusion about variant significance. c.847C>T has been reported in the literature in individuals affected with Dyslipidemia (Johansen_2014). These report(s) do not provide unequivocal conclusions about association of the variant with Congenital Generalized Lipodystrophy. To our knowledge, no experimental evidence demonstrating an impact on protein function has been reported. The following publication have been ascertained in the context of this evaluation (PMID: 24503134). ClinVar contains an entry for this variant (Variation ID: 2439771). Based on the evidence outlined above, the variant was classified as uncertain significance.

Revvity Omics, Revvity
Classification: Uncertain significance for Congenital generalized lipodystrophy type 4. Last evaluated: 2020-03-25. Review status: criteria provided, single submitter. Criteria: ACMG Guidelines, 2015. Collection method: clinical testing. Allele origin: germline.

Literature cited by the submitters: PubMed 24503134 (cited by Women's Health and Genetics/Laboratory Corporation of America, LabCorp).

NM_012232.6(CAVIN1):c.847C>T (p.Pro283Ser)

Gene: CAVIN1 (caveolae associated protein 1; minus strand). Cytogenetic location: 17q21.2.
Variant type: single nucleotide variant.
Coding change: c.847C>T on transcript NM_012232.6 (MANE Select); coding-DNA position 847, C replaced by T.
Protein change: p.Pro283Ser; replaces proline 283 with serine.
Molecular consequence: missense variant.
Genome position (GRCh38, 1-based): chr17:42,405,013, G>A on the plus strand (C>T on the coding strand, the complement: CAVIN1 is on the minus strand). VCF-style: chr17-42405013-G-A. GRCh37 (hg19) VCF-style: chr17-40557031-G-A.
Other names: short protein forms P283S.
Identifiers: ClinVar variation 2439771 (VCV002439771.4), dbSNP rs367826339, ClinGen allele CA8575791.